The following is an entry in ClinVar:

NM_000051.4(ATM):c.3077G>T (p.Trp1026Leu)

Gene: ATM (ATM serine/threonine kinase; plus strand). Cytogenetic location: 11q22.3.
Variant type: single nucleotide variant.
Coding change: c.3077G>T on transcript NM_000051.4 (MANE Select); coding-DNA position 3077, G replaced by T.
Protein change: p.Trp1026Leu; replaces tryptophan 1026 with leucine.
Molecular consequence: missense variant.
Genome position (GRCh38, 1-based): chr11:108,271,406, G>T. VCF-style: chr11-108271406-G-T. GRCh37 (hg19) VCF-style: chr11-108142133-G-T.
Other names: c.3077G>T, p.Trp1026Leu (NM_001351834.2); short protein forms W1026L.
Identifiers: ClinVar variation 4686569 (VCV004686569.1).

ClinVar aggregate classification (germline): Uncertain significance (1 of 4 stars; one submission).

Conditions:
Familial cancer of breast. Also called: BREAST CANCER, FAMILIAL; hereditary breast carcinoma; Hereditary breast cancer. Identifiers: Orphanet 227535, MedGen C0346153, MONDO:0016419, OMIM 114480. Disease mechanism: loss of function.

Submission:

KCCC/NGS Laboratory, Kuwait Cancer Control Center
Classification: Uncertain significance for Familial cancer of breast. Last evaluated: 2025-12-01. Review status: criteria provided, single submitter. Criteria: ACMG Guidelines, 2015. Collection method: clinical testing. Allele origin: germline. Inheritance: Autosomal dominant inheritance. Affected: yes.
Comment: the available evidence is currently insufficient to determine the role of this variant in disease. Therefore, it has been classified as a Variant of Uncertain Significance.